The following is an entry in ClinVar:

NM_002225.5(IVD):c.229C>G (p.Leu77Val)

Gene: IVD (isovaleryl-CoA dehydrogenase; plus strand). Cytogenetic location: 15q15.1.
Variant type: single nucleotide variant.
Coding change: c.229C>G on transcript NM_002225.5 (MANE Select); coding-DNA position 229, C replaced by G.
Protein change: p.Leu77Val; replaces leucine 77 with valine.
Molecular consequence: missense variant. On other transcripts: non-coding transcript variant (1), intron variant (1).
Genome position (GRCh38, 1-based): chr15:40,407,720, C>G. VCF-style: chr15-40407720-C-G. GRCh37 (hg19) VCF-style: chr15-40699921-C-G.
Other names: c.181C>G, p.Leu61Val (NM_001354597.3); c.229C>G, p.Leu77Val (NM_001354598.3, NM_001354599.3, NM_001354600.3 and 1 more transcripts); c.145-219C>G (NM_001159508.3); short protein forms L77V, L61V.
Identifiers: ClinVar variation 1966634 (VCV001966634.5), dbSNP rs143807229, ClinGen allele CA391744927.
Genomic context (GRCh38, chr15:40,407,720, plus strand): 5'-CTTCAGGAGCACCTGGCCCCCAAGGCCCAGGAGATCGATCGCAGCAATGAGTTCAAGAAC[C>G]TGCGAGTGAGTTGGGAGGTCCGGGCAGTCGGGGGCAGTCAGGGAGTGGGGCTGAGCTGCA-3'
Protein context (NP_002216.3, residues 67-87): EIDRSNEFKN[Leu77Val]REFWKQLGNL

ClinVar aggregate classification (germline): Uncertain significance (1 of 4 stars; one submission).

Conditions:
Isovaleryl-CoA dehydrogenase deficiency (IVA). Also called: Isovaleric acidemia; Classic Isovaleric Acidemia; ISOVALERIC ACID CoA DEHYDROGENASE DEFICIENCY; IVD DEFICIENCY. Identifiers: Orphanet 33, MedGen C0268575, MONDO:0009475, OMIM 243500.

gnomAD v4.1: 11 of 1,613,914 alleles (0.00068%); highest among the groups gnomAD compares: Non-Finnish European, 0.00093%; no homozygotes.

Submission:

Labcorp Genetics (formerly Invitae), Labcorp
Classification: Uncertain significance for Isovaleryl-CoA dehydrogenase deficiency. Last evaluated: 2022-04-12. Review status: criteria provided, single submitter. Criteria: Invitae Variant Classification Sherloc (09022015). Collection method: clinical testing. Allele origin: germline.
Comment: Algorithms developed to predict the effect of sequence changes on RNA splicing suggest that this variant may create or strengthen a splice site. In summary, the available evidence is currently insufficient to determine the role of this variant in disease. Therefore, it has been classified as a Variant of Uncertain Significance. Algorithms developed to predict the effect of missense changes on protein structure and function are either unavailable or do not agree on the potential impact of this missense change (SIFT: "Deleterious"; PolyPhen-2: "Benign"; Align-GVGD: "Class C0"). This variant has not been reported in the literature in individuals affected with IVD-related conditions. This variant is not present in population databases (gnomAD no frequency). This sequence change replaces leucine, which is neutral and non-polar, with valine, which is neutral and non-polar, at codon 80 of the IVD protein (p.Leu80Val).